The following is an entry in ClinVar:

ClinVar aggregate classification (germline): Uncertain significance (1 of 4 stars; one submission).

Submission:

CeGaT Center for Human Genetics Tuebingen
Classification: Uncertain significance. Last evaluated: 2026-08-01. Review status: criteria provided, single submitter. Criteria: CeGaT Center For Human Genetics Tuebingen Variant Classification Criteria Version 2. Collection method: clinical testing. Allele origin: germline. Affected: yes. Observed: 1 variant allele.
Comment: GFAP: PM2

NM_002055.5(GFAP):c.37T>C (p.Ser13Pro)

Gene: GFAP (glial fibrillary acidic protein; minus strand). Cytogenetic location: 17q21.31.
Variant type: single nucleotide variant.
Coding change: c.37T>C on transcript NM_002055.5 (MANE Select); coding-DNA position 37, T replaced by C.
Protein change: p.Ser13Pro; replaces serine 13 with proline.
Molecular consequence: missense variant.
Genome position (GRCh38, 1-based): chr17:44,915,450, A>G on the plus strand (T>C on the coding strand, the complement: GFAP is on the minus strand). VCF-style: chr17-44915450-A-G. GRCh37 (hg19) VCF-style: chr17-42992818-A-G.
Other names: c.37T>C, p.Ser13Pro (NM_001131019.3, NM_001242376.3, NM_001363846.2); short protein forms S13P.
Identifiers: ClinVar variation 5040708 (VCV005040708.1).